The following is an entry in ClinVar:

ClinVar aggregate classification (germline): Conflicting classifications of pathogenicity. Review status: criteria provided, conflicting classifications (1 of 4 stars). 2 submissions from 2 submitters: Uncertain significance (1); Likely benign (1). Last evaluated 2026-01-25.

Conditions:
Developmental and epileptic encephalopathy, 42 (DEE42A). Also called: EPILEPTIC ENCEPHALOPATHY, EARLY INFANTILE, 42A; DEVELOPMENTAL AND EPILEPTIC ENCEPHALOPATHY 42A; Epileptic encephalopathy, early infantile, 42. Identifiers: MedGen C4310716, MONDO:0014917, OMIM 617106.
Episodic ataxia type 2 (EA2). Also called: ATAXIA, EPISODIC, WITH NYSTAGMUS; ATAXIA, FAMILIAL PAROXYSMAL; CEREBELLAR ATAXIA, PAROXYSMAL, ACETAZOLAMIDE-RESPONSIVE; CEREBELLOPATHY, HEREDITARY PAROXYSMAL; EPISODIC ATAXIA, NYSTAGMUS-ASSOCIATED; ACETAZOLAMIDE-RESPONSIVE HEREDITARY PAROXYSMAL CEREBELLAR ATAXIA. Identifiers: Orphanet 97, MedGen C1720416, MONDO:0007163, OMIM 108500.

gnomAD v4.1: 2 of 1,537,104 alleles (0.00013%); highest among the groups gnomAD compares: Admixed American, 0.002%; no homozygotes.

Submissions (2):

GeneDx
Classification: Uncertain significance. Last evaluated: 2026-01-25. Review status: criteria provided, single submitter. Criteria: GeneDx Variant Classification Process June 2021. Collection method: clinical testing. Allele origin: germline.
Comment: In silico analysis supports that this missense variant has a deleterious effect on protein structure/function; Has not been previously published as pathogenic or benign to our knowledge

Labcorp Genetics (formerly Invitae), Labcorp
Classification: Likely benign for Developmental and epileptic encephalopathy, 42; Episodic ataxia type 2. Last evaluated: 2024-03-02. Review status: criteria provided, single submitter. Criteria: Invitae Variant Classification Sherloc (09022015). Collection method: clinical testing. Allele origin: germline.

NM_001127222.2(CACNA1A):c.6533G>A (p.Gly2178Glu)

Gene: CACNA1A (calcium voltage-gated channel subunit alpha1 A; minus strand). Cytogenetic location: 19p13.13.
Variant type: single nucleotide variant.
Coding change: c.6533G>A on transcript NM_001127222.2 (MANE Select); coding-DNA position 6533, G replaced by A.
Protein change: p.Gly2178Glu; replaces glycine 2178 with glutamic acid.
Molecular consequence: missense variant.
Genome position (GRCh38, 1-based): chr19:13,209,003, C>T on the plus strand (G>A on the coding strand, the complement: CACNA1A is on the minus strand). VCF-style: chr19-13209003-C-T. GRCh37 (hg19) VCF-style: chr19-13319817-C-T.
Other names: c.6536G>A, p.Gly2179Glu (NM_001127221.2); c.6542G>A, p.Gly2181Glu (NM_001174080.2); c.6551G>A, p.Gly2184Glu (NM_023035.3, NM_000068.4); short protein forms G2178E, G2179E, G2181E, G2184E.
Identifiers: ClinVar variation 3750315 (VCV003750315.3).